The following is an entry in ClinVar:

NM_001854.4(COL11A1):c.3527A>G (p.Gln1176Arg)

Gene: COL11A1 (collagen type XI alpha 1 chain; minus strand). Cytogenetic location: 1p21.1.
Variant type: single nucleotide variant.
Coding change: c.3527A>G on transcript NM_001854.4 (MANE Select); coding-DNA position 3527, A replaced by G.
Protein change: p.Gln1176Arg; replaces glutamine 1176 with arginine.
Molecular consequence: missense variant. On other transcripts: non-coding transcript variant (1).
Genome position (GRCh38, 1-based): chr1:102,934,522, T>C on the plus strand (A>G on the coding strand, the complement: COL11A1 is on the minus strand). VCF-style: chr1-102934522-T-C. GRCh37 (hg19) VCF-style: chr1-103400078-T-C.
Other names: c.3410A>G, p.Gln1137Arg (NM_001190709.2); c.3563A>G, p.Gln1188Arg (NM_080629.3); c.3179A>G, p.Gln1060Arg (NM_080630.4); short protein forms Q1176R, Q1137R, Q1060R, Q1188R.
Identifiers: ClinVar variation 3653694 (VCV003653694.2).

ClinVar aggregate classification (germline): Uncertain significance (1 of 4 stars; one submission).

Submission:

Labcorp Genetics (formerly Invitae), Labcorp
Classification: Uncertain significance. Last evaluated: 2024-05-17. Review status: criteria provided, single submitter. Criteria: Invitae Variant Classification Sherloc (09022015). Collection method: clinical testing. Allele origin: germline.
Comment: This sequence change replaces glutamine, which is neutral and polar, with arginine, which is basic and polar, at codon 1176 of the COL11A1 protein (p.Gln1176Arg). This variant is not present in population databases (gnomAD no frequency). This variant has not been reported in the literature in individuals affected with COL11A1-related conditions. Advanced modeling of protein sequence and biophysical properties (such as structural, functional, and spatial information, amino acid conservation, physicochemical variation, residue mobility, and thermodynamic stability) has been performed at Invitae for this missense variant, however the output from this modeling did not meet the statistical confidence thresholds required to predict the impact of this variant on COL11A1 protein function. In summary, the available evidence is currently insufficient to determine the role of this variant in disease. Therefore, it has been classified as a Variant of Uncertain Significance.